The following is an entry in ClinVar:

ClinVar aggregate classification (germline): Likely benign. Review status: criteria provided, multiple submitters, no conflicts (2 of 4 stars). 4 submissions from 4 submitters: Likely benign (3). 1 of the submissions does not count toward it. Last evaluated 2025-08-06.

Conditions:
Aortic aneurysm, familial thoracic 4 (AAT4). Also called: AORTIC ANEURYSM/AORTIC DISSECTION AND PATENT DUCTUS ARTERIOSUS. Identifiers: MedGen C1851504, MONDO:0007568, OMIM 132900.
Familial thoracic aortic aneurysm and aortic dissection (TAAD). Also called: Thoracic aortic aneurysms and dissections. Identifiers: Orphanet 91387, MedGen C4707243, MONDO:0019625.
MYH11-related disorder. Also called: MYH11-related condition.

Allele frequency attached by ClinVar (database versions not stated): gnomAD 0.00001; gnomAD exomes 0.00001 and 0.00002; TOPMed 0.00001; ExAC 0.00002; ESP Exome Variant Server 0.00008.
gnomAD v4.1: 16 of 1,614,132 alleles (0.00099%); highest among the groups gnomAD compares: Middle Eastern, 0.016%; no homozygotes.

Submissions (4):

Labcorp Genetics (formerly Invitae), Labcorp
Classification: Likely benign for Aortic aneurysm, familial thoracic 4. Last evaluated: 2025-08-06. Review status: criteria provided, single submitter. Criteria: Invitae Variant Classification Sherloc (09022015). Collection method: clinical testing. Allele origin: germline.

All of Us Research Program, National Institutes of Health
Classification: Likely benign for Familial thoracic aortic aneurysm and aortic dissection. Last evaluated: 2023-08-15. Review status: criteria provided, single submitter. Criteria: ACMG Guidelines, 2015. Collection method: clinical testing. Allele origin: germline. Inheritance: Autosomal dominant inheritance. Observed: 2 variant alleles, 2 heterozygotes.
Comment: This study involves interpretation of variants in research participants for the purpose of population health screening. Participant phenotype was not available at the time of variant classification. Additional details can be found in publication PMID: 35346344, PMCID: PMC8962531

Color Diagnostics, LLC DBA Color Health
Classification: Likely benign for Familial thoracic aortic aneurysm and aortic dissection. Last evaluated: 2020-01-22. Review status: criteria provided, single submitter. Criteria: ACMG Guidelines, 2015. Collection method: clinical testing. Allele origin: germline.

PreventionGenetics, part of Exact Sciences
Classification: Likely benign for MYH11-related condition. Last evaluated: 2019-02-18. Review status: no assertion criteria provided. Collection method: clinical testing. Allele origin: germline. Not counted in ClinVar's aggregate classification.
Comment: This variant is classified as likely benign based on ACMG/AMP sequence variant interpretation guidelines (Richards et al. 2015 PMID: 25741868, with internal and published modifications).

NM_002474.3(MYH11):c.2025C>T (p.Phe675=)

Gene: MYH11 (myosin heavy chain 11; minus strand). Cytogenetic location: 16p13.11.
Variant type: single nucleotide variant.
Coding change: c.2025C>T on transcript NM_002474.3 (MANE Select); coding-DNA position 2025, C replaced by T.
Protein change: p.Phe675=; no amino-acid change (phenylalanine 675 retained).
Molecular consequence: synonymous variant.
Genome position (GRCh38, 1-based): chr16:15,750,171, G>A on the plus strand (C>T on the coding strand, the complement: MYH11 is on the minus strand). VCF-style: chr16-15750171-G-A. GRCh37 (hg19) VCF-style: chr16-15844028-G-A.
Other names: c.2046C>T, p.Phe682= (NM_001040113.2, NM_001040114.2); c.2025C>T, p.Phe675= (NM_022844.3).
Identifiers: ClinVar variation 926181 (VCV000926181.9), dbSNP rs140684159, ClinGen allele CA7922448.